The following is an entry in ClinVar:

ClinVar aggregate classification (germline): Uncertain significance (1 of 4 stars; one submission).

Conditions:
Polyglandular autoimmune syndrome, type 1 (APS1). Also called: Whitaker syndrome; Autoimmune polyendocrinopathy syndrome , type I, with or without reversible metaphyseal dysplasia; AUTOIMMUNE POLYENDOCRINE SYNDROME, TYPE I, WITH OR WITHOUT REVERSIBLE METAPHYSEAL DYSPLASIA; Autoimmune polyendocrine syndrome type 1; APS I; Autoimmune polyendocrinopathy syndrome, type I. Identifiers: Orphanet 3453, MedGen C0085859, MONDO:0009411, OMIM 240300.

Allele frequency attached by ClinVar (database versions not stated): gnomAD exomes below 0.00001.
gnomAD v4.1: 1 of 1,596,828 alleles (0.000063%); highest among the groups gnomAD compares: Non-Finnish European, 0.000085%; no homozygotes.

Submission:

Labcorp Genetics (formerly Invitae), Labcorp
Classification: Uncertain significance for Polyglandular autoimmune syndrome, type 1. Last evaluated: 2023-03-13. Review status: criteria provided, single submitter. Criteria: Invitae Variant Classification Sherloc (09022015). Collection method: clinical testing. Allele origin: germline.
Comment: In summary, the available evidence is currently insufficient to determine the role of this variant in disease. Therefore, it has been classified as a Variant of Uncertain Significance. Advanced modeling of protein sequence and biophysical properties (such as structural, functional, and spatial information, amino acid conservation, physicochemical variation, residue mobility, and thermodynamic stability) has been performed at Invitae for this missense variant, however the output from this modeling did not meet the statistical confidence thresholds required to predict the impact of this variant on AIRE protein function. This variant has not been reported in the literature in individuals affected with AIRE-related conditions. This variant is not present in population databases (gnomAD no frequency). This sequence change replaces cysteine, which is neutral and slightly polar, with tyrosine, which is neutral and polar, at codon 437 of the AIRE protein (p.Cys437Tyr).

NM_000383.4(AIRE):c.1310G>A (p.Cys437Tyr)

Gene: AIRE (autoimmune regulator; plus strand). Cytogenetic location: 21q22.3.
Variant type: single nucleotide variant.
Coding change: c.1310G>A on transcript NM_000383.4 (MANE Select); coding-DNA position 1310, G replaced by A.
Protein change: p.Cys437Tyr; replaces cysteine 437 with tyrosine.
Molecular consequence: missense variant.
Genome position (GRCh38, 1-based): chr21:44,293,820, G>A. VCF-style: chr21-44293820-G-A. GRCh37 (hg19) VCF-style: chr21-45713703-G-A.
Other names: short protein forms C437Y.
Identifiers: ClinVar variation 2845448 (VCV002845448.3), dbSNP rs2517885746, ClinGen allele CA410425662.
Genomic context (GRCh38, chr21:44,293,820, plus strand): 5'-GCGTCACCCCGCGCTGTTGCCTCCCACAGAACCTGGCTCCTGGTGCGCGTTGCGGGGTGT[G>A]CGGAGATGGTACGGACGTGCTGCGGTGTACTCACTGCGCCGCTGCCTTCCACTGGCGCTG-3'
Protein context (NP_000374.1, residues 427-447): NLAPGARCGV[Cys437Tyr]GDGTDVLRCT